The following is an entry in ClinVar:

NC_000019.9:g.(?_13135448)_(13574132_?)dup

Genes: CACNA1A (calcium voltage-gated channel subunit alpha1 A; minus strand), IER2 (immediate early response 2; plus strand), LYL1 (LYL1 basic helix-loop-helix family member; minus strand), NACC1 (nucleus accumbens associated 1; plus strand), NFIX (nuclear factor I X; plus strand) and 2 more. Cytogenetic location: 19p13.2.
Variant type: Duplication.
Identifiers: ClinVar variation 1003316 (VCV001003316.7).

ClinVar aggregate classification (germline): Uncertain significance (1 of 4 stars; one submission).

Conditions:
Developmental and epileptic encephalopathy, 42 (DEE42A). Also called: Epileptic encephalopathy, early infantile, 42; DEVELOPMENTAL AND EPILEPTIC ENCEPHALOPATHY 42A; EPILEPTIC ENCEPHALOPATHY, EARLY INFANTILE, 42A. Identifiers: MedGen C4310716, MONDO:0014917, OMIM 617106.
Episodic ataxia type 2 (EA2). Also called: ACETAZOLAMIDE-RESPONSIVE HEREDITARY PAROXYSMAL CEREBELLAR ATAXIA; ATAXIA, EPISODIC, WITH NYSTAGMUS; ATAXIA, FAMILIAL PAROXYSMAL; CEREBELLAR ATAXIA, PAROXYSMAL, ACETAZOLAMIDE-RESPONSIVE; CEREBELLOPATHY, HEREDITARY PAROXYSMAL; EPISODIC ATAXIA, NYSTAGMUS-ASSOCIATED. Identifiers: Orphanet 97, MedGen C1720416, MONDO:0007163, OMIM 108500.

Submission:

Labcorp Genetics (formerly Invitae), Labcorp
Classification: Uncertain significance for Developmental and epileptic encephalopathy, 42; Episodic ataxia type 2. Last evaluated: 2020-10-27. Review status: criteria provided, single submitter. Criteria: Invitae Variant Classification Sherloc (09022015). Collection method: clinical testing. Allele origin: germline.
Comment: In summary, the available evidence is currently insufficient to determine the role of this variant in disease. Therefore, it has been classified as a Variant of Uncertain Significance. This variant has not been reported in the literature in individuals with CACNA1A-related conditions. This variant results in a copy number gain of the genomic region encompassing exon(s) 2-47 of the CACNA1A gene. The 5' boundary is likely confined to intron 1. The 3' end of this event is unknown as it extends beyond the assayed region for this gene and therefore may encompass additional genes. As the precise location of this event is unknown, it may be in tandem or it may be located elsewhere in the genome.